The following is an entry in ClinVar:

ClinVar aggregate classification (germline): Likely benign. Review status: criteria provided, multiple submitters, no conflicts (2 of 4 stars). 3 submissions from 3 submitters: Likely benign (2). 1 of the submissions does not count toward it. Last evaluated 2025-11-03.

Conditions:
RPGRIP1L-related disorder. Also called: RPGRIP1L-related disorders; RPGRIP1L-related condition. Identifiers: MedGen CN239416.
Meckel-Gruber syndrome. Also called: DYSENCEPHALIA SPLANCHNOCYSTICA; GRUBER SYNDROME; Dysencephalia splachnocystica. Identifiers: Orphanet 564, MedGen C0265215, MONDO:0018921.
Joubert syndrome. Also called: JOUBERT-BOLTSHAUSER SYNDROME; Familial aplasia of the vermis. Identifiers: Orphanet 475, MedGen C5979921, MONDO:0018772.

Allele frequency attached by ClinVar (database versions not stated): TOPMed below 0.00001; gnomAD 0.00001; gnomAD exomes 0.00001.
gnomAD v4.1: 9 of 1,613,222 alleles (0.00056%); highest among the groups gnomAD compares: Admixed American, 0.015%; no homozygotes.

Submissions (3):

Labcorp Genetics (formerly Invitae), Labcorp
Classification: Likely benign for Joubert syndrome; Meckel-Gruber syndrome. Last evaluated: 2025-11-03. Review status: criteria provided, single submitter. Criteria: Invitae Variant Classification Sherloc (09022015). Collection method: clinical testing. Allele origin: germline.

Blueprint Genetics
Classification: Likely benign. Last evaluated: 2022-11-02. Review status: criteria provided, single submitter. Criteria: ACMG Guidelines, 2015. Collection method: clinical testing. Allele origin: germline.

PreventionGenetics, part of Exact Sciences
Classification: Likely benign for RPGRIP1L-related condition. Last evaluated: 2022-12-12. Review status: no assertion criteria provided. Collection method: clinical testing. Allele origin: germline. Not counted in ClinVar's aggregate classification.
Comment: This variant is classified as likely benign based on ACMG/AMP sequence variant interpretation guidelines (Richards et al. 2015 PMID: 25741868, with internal and published modifications).

NM_015272.5(RPGRIP1L):c.936A>G (p.Glu312=)

Gene: RPGRIP1L (RPGRIP1 like; minus strand). Cytogenetic location: 16q12.2.
Variant type: single nucleotide variant.
Coding change: c.936A>G on transcript NM_015272.5 (MANE Select); coding-DNA position 936, A replaced by G.
Protein change: p.Glu312=; no amino-acid change (glutamic acid 312 retained).
Molecular consequence: synonymous variant.
Genome position (GRCh38, 1-based): chr16:53,672,963, T>C on the plus strand (A>G on the coding strand, the complement: RPGRIP1L is on the minus strand). VCF-style: chr16-53672963-T-C. GRCh37 (hg19) VCF-style: chr16-53706875-T-C.
Other names: c.936A>G, p.Glu312= (NM_001127897.4, NM_001308334.3, NM_001330538.2); c.936A>G (NM_015272.4).
Identifiers: ClinVar variation 1118348 (VCV001118348.11), dbSNP rs1454166907, ClinGen allele CA495538835.
Genomic context (GRCh38, chr16:53,672,963, plus strand): 5'-ATGTAATTGTTTCTCAAGACTGCAGCATTTTAAACGCTGCTCTTTAAGTTGCATGTTTAA[T>C]TCATCCCCATTTGCCATCAAAGCATCGTGGCTGATTCTGAGAGTTCTTTGCTTCTAAAAG-3'
Protein context (NP_056087.2, residues 302-322): SHDALMANGD[Glu312=]LNMQLKEQRL